The following is an entry in ClinVar:

ClinVar aggregate classification (germline): Uncertain significance. Review status: criteria provided, multiple submitters, no conflicts (2 of 4 stars). 2 submissions from 2 submitters: Uncertain significance (2). Last evaluated 2025-02-11.

Conditions:
Hereditary cancer-predisposing syndrome. Also called: Hereditary Cancer Syndrome; Tumor predisposition; Neoplastic Syndromes, Hereditary; Hereditary neoplastic syndrome. Identifiers: Orphanet 140162, MedGen C0027672, MeSH D009386, MONDO:0015356.
Tuberous sclerosis 2 (TSC2). Identifiers: Orphanet 805, MedGen C1860707, MONDO:0013199, OMIM 613254.

Allele frequency attached by ClinVar (database versions not stated): gnomAD exomes below 0.00001.
gnomAD v4.1: 1 of 1,611,298 alleles (0.000062%); highest among the groups gnomAD compares: East Asian, 0.0022%; no homozygotes.

Submissions (2):

Labcorp Genetics (formerly Invitae), Labcorp
Classification: Uncertain significance for Tuberous sclerosis 2. Last evaluated: 2025-02-11. Review status: criteria provided, single submitter. Criteria: Invitae Variant Classification Sherloc (09022015). Collection method: clinical testing. Allele origin: germline.
Comment: This sequence change replaces histidine, which is basic and polar, with arginine, which is basic and polar, at codon 1101 of the TSC2 protein (p.His1101Arg). This variant is not present in population databases (gnomAD no frequency). This variant has not been reported in the literature in individuals affected with TSC2-related conditions. ClinVar contains an entry for this variant (Variation ID: 3232139). Invitae Evidence Modeling of protein sequence and biophysical properties (such as structural, functional, and spatial information, amino acid conservation, physicochemical variation, residue mobility, and thermodynamic stability) indicates that this missense variant is not expected to disrupt TSC2 protein function with a negative predictive value of 95%. In summary, the available evidence is currently insufficient to determine the role of this variant in disease. Therefore, it has been classified as a Variant of Uncertain Significance.

Ambry Genetics
Classification: Uncertain significance for Hereditary cancer-predisposing syndrome. Last evaluated: 2023-11-27. Review status: criteria provided, single submitter. Criteria: Ambry Variant Classification Scheme 2023. Collection method: clinical testing. Allele origin: germline.
Comment: The p.H1101R variant (also known as c.3302A>G), located in coding exon 28 of the TSC2 gene, results from an A to G substitution at nucleotide position 3302. The histidine at codon 1101 is replaced by arginine, an amino acid with highly similar properties. This amino acid position is poorly conserved in available vertebrate species. In addition, the in silico prediction for this alteration is inconclusive. Since supporting evidence is limited at this time, the clinical significance of this alteration remains unclear.

NM_000548.5(TSC2):c.3302A>G (p.His1101Arg)

Gene: TSC2 (TSC complex subunit 2; plus strand). Cytogenetic location: 16p13.3.
Variant type: single nucleotide variant.
Coding change: c.3302A>G on transcript NM_000548.5 (MANE Select); coding-DNA position 3302, A replaced by G.
Protein change: p.His1101Arg; replaces histidine 1101 with arginine.
Molecular consequence: missense variant. On other transcripts: non-coding transcript variant (5).
Genome position (GRCh38, 1-based): chr16:2,079,574, A>G. VCF-style: chr16-2079574-A-G. GRCh37 (hg19) VCF-style: chr16-2129575-A-G.
Other names: c.2573A>G, p.His858Arg (NM_001406685.1, NM_001406686.1); c.1826A>G, p.His609Arg (NM_001406696.1, NM_001406697.1, NM_001406691.1 and 1 more transcripts); c.1568A>G, p.His523Arg (NM_001406698.1); c.3173A>G, p.His1058Arg (NM_021055.3, NM_001363528.2, NM_001370405.1); c.3170A>G, p.His1057Arg (NM_001077183.3, NM_001370404.1, NM_001406665.1); c.3302A>G, p.His1101Arg (NM_001114382.3); c.3062A>G, p.His1021Arg (NM_001318827.2); c.3026A>G, p.His1009Arg (NM_001318829.2); and 18 more; short protein forms H1008R, H1009R, H1020R, H1021R, H1038R, H1051R, H1052R, H1053R.
Identifiers: ClinVar variation 3232139 (VCV003232139.2), dbSNP rs2544065765, ClinGen allele CA394286515.
Genomic context (GRCh38, chr16:2,079,574, plus strand): 5'-CCTGGGGACTAAGTCCACCCTGTGCGTGGGATTCTCTTCTCAGCTCCAGCCCCGGGGTGC[A>G]TGTGAGACAGACCAAGGAGGCGCCGGCCAAGCTGGAGTCCCAGGCTGGGCAGCAGGTGTC-3'
Protein context (NP_000539.2, residues 1091-1111): GPESSSSPGV[His1101Arg]VRQTKEAPAK